The following is an entry in ClinVar:

NM_000161.3(GCH1):c.*243C>T

Gene: GCH1 (GTP cyclohydrolase 1; minus strand). Cytogenetic location: 14q22.2.
Variant type: single nucleotide variant.
Coding change: c.*243C>T on transcript NM_000161.3 (MANE Select); 243 bases downstream of the stop codon, C replaced by T.
Molecular consequence: 3 prime UTR variant. On other transcripts: intron variant (3).
Genome position (GRCh38, 1-based): chr14:54,843,774, G>A on the plus strand (C>T on the coding strand, the complement: GCH1 is on the minus strand). VCF-style: chr14-54843774-G-A. GRCh37 (hg19) VCF-style: chr14-55310492-G-A.
Other names: c.627-720C>T (NM_001024071.2); c.*12+8C>T (NM_001024070.2); c.*16+227C>T (NM_001024024.2).
Identifiers: ClinVar variation 313386 (VCV000313386.18), dbSNP rs841, ClinGen allele CA7193462.

ClinVar aggregate classification (germline): Benign. Review status: criteria provided, multiple submitters, no conflicts (2 of 4 stars). 9 submissions from 7 submitters: Benign (9). Last evaluated 2026-01-19.

Conditions:
GTP cyclohydrolase I deficiency. Identifiers: MedGen C0268467, MONDO:0100184.
Dystonia 5 (DRD). Also called: DYSTONIA, PROGRESSIVE, WITH DIURNAL VARIATION; DYSTONIA-PARKINSONISM WITH DIURNAL FLUCTUATION; DYT-GCH1; GTP Cyclohydrolase 1-Deficient Dopa-Responsive Dystonia; Dystonia, DOPA-responsive, with or without hyperphenylalaninemia. Identifiers: Orphanet 98808, MedGen C1851920, MONDO:0007495, OMIM 128230.

Allele frequency attached by ClinVar (database versions not stated): ESP Exome Variant Server 0.20033; gnomAD exomes 0.20992 and 0.21853; ExAC 0.21060; gnomAD 0.21933 and 0.22091; TOPMed 0.22627; 1000 Genomes Project 0.22983; 1000 Genomes Project 30x 0.23314.
gnomAD v4.1: 339,747 of 1,613,118 alleles (21%); highest among the groups gnomAD compares: East Asian, 38%; 37,505 homozygotes.

Submissions (9):

Labcorp Genetics (formerly Invitae), Labcorp
Classification: Benign for GTP cyclohydrolase I deficiency; Dystonia 5. Last evaluated: 2026-01-19. Review status: criteria provided, single submitter. Criteria: Invitae Variant Classification Sherloc (09022015). Collection method: clinical testing. Allele origin: germline.

Blueprint Genetics
Classification: Benign. Last evaluated: 2024-11-27. Review status: criteria provided, single submitter. Criteria: ACMG Guidelines, 2015. Collection method: clinical testing. Allele origin: germline.

Unidad de Genómica Garrahan, Hospital de Pediatría Garrahan
Classification: Benign. Last evaluated: 2024-07-31. Review status: criteria provided, single submitter. Criteria: ACMG Guidelines, 2015. Collection method: clinical testing. Allele origin: germline. Affected: no. Observed: 39 variant alleles.
Comment: This variant is classified as Benign based on local population frequency. This variant was detected in 42% of patients studied in a panel designed for Epileptic and Developmental Encephalopathy, Progressive Myoclonus Epilepsy and Abnormal Movements and Neurodegeneration with brain iron accumulation. Number of patients: 39. Only high quality variants are reported.

Genome-Nilou Lab
Classification: Benign for Dystonia 5. Last evaluated: 2021-08-10. Review status: criteria provided, single submitter. Criteria: ACMG Guidelines, 2015. Collection method: clinical testing. Allele origin: germline. Affected: no.

Genome-Nilou Lab
Classification: Benign for GTP cyclohydrolase I deficiency with hyperphenylalaninemia. Last evaluated: 2021-08-10. Review status: criteria provided, single submitter. Criteria: ACMG Guidelines, 2015. Collection method: clinical testing. Allele origin: germline. Affected: no.

Illumina Laboratory Services, Illumina
Classification: Benign for Dystonia 5. Last evaluated: 2018-03-06. Review status: criteria provided, single submitter. Criteria: ICSL Variant Classification Criteria 13 December 2019. Collection method: clinical testing. Allele origin: germline.
Comment: This variant was observed in the ICSL laboratory as part of a predisposition screen in an ostensibly healthy population. It had not been previously curated by ICSL or reported in the Human Gene Mutation Database (HGMD: prior to June 1st, 2018), and was therefore a candidate for classification through an automated scoring system. Utilizing variant allele frequency, disease prevalence and penetrance estimates, and inheritance mode, an automated score was calculated to assess if this variant is too frequent to cause the disease. Based on the score and internal cut-off values, a variant classified as benign is not then subjected to further curation. The score for this variant resulted in a classification of benign for this disease.

Illumina Laboratory Services, Illumina
Classification: Benign for GTP cyclohydrolase I deficiency with hyperphenylalaninemia. Last evaluated: 2018-03-06. Review status: criteria provided, single submitter. Criteria: ICSL Variant Classification Criteria 13 December 2019. Collection method: clinical testing. Allele origin: germline.
Comment: the same text as in the submission from Illumina Laboratory Services, Illumina above.

GeneDx
Classification: Benign. Last evaluated: 2016-12-02. Review status: criteria provided, single submitter. Criteria: GeneDx Variant Classification (06012015). Collection method: clinical testing. Allele origin: germline. Affected: yes.
Comment: This variant is considered likely benign or benign based on one or more of the following criteria: it is a conservative change, it occurs at a poorly conserved position in the protein, it is predicted to be benign by multiple in silico algorithms, and/or has population frequency not consistent with disease.

Breakthrough Genomics
Classification: Benign. Review status: criteria provided, single submitter. Criteria: ACMG Guidelines, 2015. Collection method: not provided. Allele origin: germline. Inheritance: Autosomal recessive inheritance. Affected: yes.